The following is an entry in ClinVar:

ClinVar aggregate classification (germline): Likely benign (0 of 4 stars; one submission).

Conditions:
CEP83-related disorder. Also called: CEP83-related condition.

Submission:

PreventionGenetics, part of Exact Sciences
Classification: Likely benign for CEP83-related condition. Last evaluated: 2024-01-05. Review status: no assertion criteria provided. Collection method: clinical testing. Allele origin: germline.
Comment: This variant is classified as likely benign based on ACMG/AMP sequence variant interpretation guidelines (Richards et al. 2015 PMID: 25741868, with internal and published modifications).

NM_016122.3(CEP83):c.1308A>T (p.Ala436=)

Gene: CEP83 (centrosomal protein 83; minus strand). Cytogenetic location: 12q22.
Variant type: single nucleotide variant.
Coding change: c.1308A>T on transcript NM_016122.3 (MANE Select); coding-DNA position 1308, A replaced by T.
Protein change: p.Ala436=; no amino-acid change (alanine 436 retained).
Molecular consequence: synonymous variant. On other transcripts: non-coding transcript variant (1).
Genome position (GRCh38, 1-based): chr12:94,367,829, T>A on the plus strand (A>T on the coding strand, the complement: CEP83 is on the minus strand). VCF-style: chr12-94367829-T-A. GRCh37 (hg19) VCF-style: chr12-94761605-T-A.
Other names: c.1308A>T, p.Ala436= (NM_001042399.2, NM_001346457.2, NM_001368037.1 and 1 more transcripts); c.996A>T, p.Ala332= (NM_001346458.2, NM_001346459.2, NM_001368039.1 and 1 more transcripts); c.1083A>T, p.Ala361= (NM_001368041.1).
Identifiers: ClinVar variation 3032429 (VCV003032429.2), dbSNP rs2541673011, ClinGen allele CA481501525.